The following is an entry in ClinVar:

NM_000444.6(PHEX):c.1677_1680del (p.Phe560fs)

Genes: PHEX (phosphate regulating endopeptidase X-linked; plus strand), PTCHD1-AS (PTCHD1 and PHEX antisense RNA; minus strand). Cytogenetic location: Xp22.11.
Variant type: Microsatellite.
Coding change: c.1677_1680del on transcript NM_000444.6 (MANE Select); coding-DNA positions 1677 to 1680, 4 bases deleted (CTTT; older notation c.1677_1680delCTTT).
Protein change: p.Phe560fs; shifts the reading frame from phenylalanine 560.
Molecular consequence: frameshift variant.
Genome position (GRCh38, 1-based): chrX:22,212,935-22,212,938, CTTT deleted; deleting any 4 consecutive bases within chrX:22,212,931-22,212,938 gives the same sequence; the c. name uses the placement nearest the transcript's 3' end. VCF-style (leftmost placement, unchanged base first): chrX-22212930-CCTTT-C. GRCh37 (hg19) VCF-style: chrX-22231047-CCTTT-C.
Other names: c.1677_1680del, p.Phe560fs (NM_001282754.2); short protein forms F560fs.
Identifiers: ClinVar variation 2664929 (VCV002664929.2), dbSNP rs2518652917, ClinGen allele CA2695200165.

ClinVar aggregate classification (germline): Likely pathogenic. Review status: criteria provided, multiple submitters, no conflicts (2 of 4 stars). 2 submissions from 2 submitters: Likely pathogenic (2). Last evaluated 2023-06-20.

Conditions:
Familial X-linked hypophosphatemic vitamin D refractory rickets (XLHRD). Also called: X-Linked Hypophosphatemia; HYPOPHOSPHATEMIC VITAMIN D-RESISTANT RICKETS; Hypophosphatemic Rickets, X-Linked Dominant; Hypophosphatemia, vitamin D-resistant rickets; Vitamin D-resistant rickets, X-linked. Identifiers: Orphanet 89936, MedGen C0733682, MONDO:0010619, OMIM 307800.

Submissions (2):

Clinical Genetics Laboratory, Skane University Hospital Lund
Classification: Likely pathogenic. Last evaluated: 2023-06-20. Review status: criteria provided, single submitter. Criteria: ACMG Guidelines, 2015. Collection method: clinical testing. Allele origin: germline. Affected: yes.

Neuberg Centre For Genomic Medicine, NCGM
Classification: Likely pathogenic for Familial X-linked hypophosphatemic vitamin D refractory rickets. Last evaluated: 2023-03-01. Review status: criteria provided, single submitter. Criteria: ACMG Guidelines, 2015. Collection method: clinical testing. Allele origin: germline. Inheritance: X-linked dominant inheritance. Affected: yes.
Comment: The frameshift c.1677_1680del(p.Phe560GlyfsTer9) variant in PHEX gene has not been reported previously as a pathogenic variant nor a benign variant, to our knowledge. The p.Phe560GlyfsTer9 variant is novel (not in any individuals) in gnomAD Exomes and 1000 Genomes. This variant has not been reported to the ClinVar database. This variant causes a frameshift starting with codon Phenylalanine 560, changes this amino acid to Glycine residue, and creates a premature Stop codon at position 9 of the new reading frame, denoted p.Phe560GlyfsTer9. This variant is predicted to cause loss of normal protein function through protein truncation. Loss of function variants have been previously reported to be disease causing. For these reasons, this variant has been classified as Likely Pathogenic.